The following is an entry in ClinVar:

ClinVar aggregate classification (germline): Uncertain significance. Review status: criteria provided, multiple submitters, no conflicts (2 of 4 stars). 2 submissions from 2 submitters: Uncertain significance (2). Last evaluated 2021-08-13.

Conditions:
Hypertrophic cardiomyopathy 1 (CMH1). Also called: MYH7-Related Familial Hypertrophic Cardiomyopathy; Familial hypertrophic cardiomyopathy 1. Identifiers: MedGen C3495498, MONDO:0008647, OMIM 192600.
Myosin storage myopathy (CMYO7A). Also called: SCAPULOPERONEAL MUSCULAR DYSTROPHY; SCAPULOPERONEAL SYNDROME, MYOPATHIC TYPE; MYH7-related late-onset scapuloperoneal muscular dystrophy; Congenital myopathy 7A, myosin storage, autosomal dominant; MYOPATHY WITH LYSIS OF TYPE I MYOFIBRILS; Scapuloperoneal myopathy, MYH7-related. Identifiers: Orphanet 437572, Orphanet 636965, MedGen C1842160, MONDO:0008409, OMIM 608358.
Congenital myopathy with fiber type disproportion. Also called: Congenital fiber-type disproportion myopathy; Congenital fiber-type disproportion. Identifiers: Orphanet 2020, MedGen C0546264, MONDO:0009711. Inheritance: all.
Myopathy, myosin storage, autosomal recessive (CMYO7B). Also called: CONGENITAL MYOPATHY 7B, MYOSIN STORAGE, AUTOSOMAL RECESSIVE. Identifiers: Orphanet 636970, MedGen C1850709, MONDO:0009708, OMIM 255160.
MYH7-related skeletal myopathy. Also called: Laing distal myopathy; Myopathy, distal, 1; MYOPATHY, DISTAL, EARLY-ONSET, AUTOSOMAL DOMINANT; MYOPATHY, LATE DISTAL HEREDITARY; Laing early-onset distal myopathy. Identifiers: Orphanet 59135, MedGen C4552004, MONDO:0008050, OMIM 160500.
Dilated cardiomyopathy 1S (CMD1S). Identifiers: Orphanet 154, Orphanet 54260, MedGen C1834481, MONDO:0013262, OMIM 613426.

Submissions (2):

Fulgent Genetics
Classification: Uncertain significance for MYH7-related skeletal myopathy; Myosin storage myopathy; Hypertrophic cardiomyopathy 1; Myopathy, myosin storage, autosomal recessive; Congenital myopathy 4A, autosomal dominant; Dilated cardiomyopathy 1S. Last evaluated: 2021-08-13. Review status: criteria provided, single submitter. Criteria: ACMG Guidelines, 2015. Collection method: clinical testing. Allele origin: unknown.

Laboratory for Molecular Medicine, Mass General Brigham Personalized Medicine
Classification: Uncertain significance. Last evaluated: 2014-01-19. Review status: criteria provided, single submitter. Criteria: LMM Criteria. Collection method: clinical testing. Allele origin: germline. Observed: 1 variant allele.
Comment: proposed classification - variant undergoing re-assessment, contact laboratory

NM_000257.4(MYH7):c.4834C>G (p.Leu1612Val)

Genes: MHRT (myosin heavy chain associated RNA transcript; plus strand), MYH7 (myosin heavy chain 7; minus strand), LOC126861897 (BRD4-independent group 4 enhancer GRCh37_chr14:23884455-23885654; plus strand). Cytogenetic location: 14q11.2.
Variant type: single nucleotide variant.
Coding change: c.4834C>G on transcript NM_000257.4 (MANE Select); coding-DNA position 4834, C replaced by G.
Protein change: p.Leu1612Val; replaces leucine 1612 with valine.
Molecular consequence: missense variant. On other transcripts: non-coding transcript variant (1).
Genome position (GRCh38, 1-based): chr14:23,416,123, G>C on the plus strand (C>G on the coding strand, the complement: MYH7 is on the minus strand). VCF-style: chr14-23416123-G-C. GRCh37 (hg19) VCF-style: chr14-23885332-G-C.
Other names: short protein forms L1612V.
Identifiers: ClinVar variation 43040 (VCV000043040.5), dbSNP rs397516229, ClinGen allele CA015389.